The following is an entry in ClinVar:

ClinVar aggregate classification (germline): Likely pathogenic (1 of 4 stars; one submission).

Conditions:
Bloom syndrome (BLM). Also called: Bloom-Torre-Machacek syndrome. Identifiers: Orphanet 125, MedGen C0005859, MONDO:0008876, OMIM 210900.

Submission:

Labcorp Genetics (formerly Invitae), Labcorp
Classification: Likely pathogenic for Bloom syndrome. Last evaluated: 2021-07-31. Review status: criteria provided, single submitter. Criteria: Invitae Variant Classification Sherloc (09022015). Collection method: clinical testing. Allele origin: germline.
Comment: In summary, the currently available evidence indicates that the variant is pathogenic, but additional data are needed to prove that conclusively. Therefore, this variant has been classified as Likely Pathogenic. This variant has not been reported in the literature in individuals affected with BLM-related conditions. This variant results in a copy number gain of the genomic region encompassing exon(s) 17 of the BLM gene. While the exact position of this variant cannot be determined from the data, sub-genic copy number gains are generally in tandem (PMID: 25640679). This variant is predicted to be out-of-frame, and may result in an absent or disrupted protein product. Loss-of-function variants in BLM are known to be pathogenic (PMID: 17407155).

Literature cited by the submitters: PubMed 25640679; PubMed 17407155.

NC_000015.9:g.(?_91341410)_(91341577_?)dup

Gene: BLM (BLM RecQ like helicase; plus strand). Cytogenetic location: 15q26.1.
Variant type: Duplication.
Identifiers: ClinVar variation 1345797 (VCV001345797.5).